The following is an entry in ClinVar:

NM_000264.5(PTCH1):c.372C>G (p.Asn124Lys)

Gene: PTCH1 (patched 1; minus strand). Cytogenetic location: 9q22.32.
Variant type: single nucleotide variant.
Coding change: c.372C>G on transcript NM_000264.5 (MANE Select); coding-DNA position 372, C replaced by G.
Protein change: p.Asn124Lys; replaces asparagine 124 with lysine.
Molecular consequence: missense variant. On other transcripts: 5 prime UTR variant (4), non-coding transcript variant (1).
Genome position (GRCh38, 1-based): chr9:95,506,429, G>C on the plus strand (C>G on the coding strand, the complement: PTCH1 is on the minus strand). VCF-style: chr9-95506429-G-C. GRCh37 (hg19) VCF-style: chr9-98268711-G-C.
Other names: c.174C>G, p.Asn58Lys (NM_001083602.3, NM_001354919.2); c.369C>G, p.Asn123Lys (NM_001083603.3); c.-82C>G (NM_001083604.3, NM_001083605.3, NM_001083606.3 and 1 more transcripts); c.372C>G, p.Asn124Lys (NM_001354918.2); short protein forms N58K, N124K, N123K.
Identifiers: ClinVar variation 453863 (VCV000453863.10), dbSNP rs763779667, ClinGen allele CA5138977.

ClinVar aggregate classification (germline): Conflicting classifications of pathogenicity. Review status: criteria provided, conflicting classifications (1 of 4 stars). 2 submissions from 2 submitters: Uncertain significance (1); Likely benign (1). Last evaluated 2025-04-30.

Conditions:
Hereditary cancer-predisposing syndrome. Also called: Tumor predisposition; Hereditary Cancer Syndrome; Neoplastic Syndromes, Hereditary; Hereditary neoplastic syndrome. Identifiers: Orphanet 140162, MedGen C0027672, MeSH D009386, MONDO:0015356.
Gorlin syndrome. Also called: Basal cell nevus syndrome; Nevoid Basal Cell Carcinoma Syndrome. Identifiers: Orphanet 377, MedGen C0004779, MONDO:0007187.

Allele frequency attached by ClinVar (database versions not stated): gnomAD exomes below 0.00001 and 0.00001; ExAC 0.00001.
gnomAD v4.1: 7 of 1,612,356 alleles (0.00043%); highest among the groups gnomAD compares: East Asian, 0.0089%; no homozygotes.

Submissions (2):

Labcorp Genetics (formerly Invitae), Labcorp
Classification: Likely benign for Gorlin syndrome. Last evaluated: 2025-04-30. Review status: criteria provided, single submitter. Criteria: Invitae Variant Classification Sherloc (09022015). Collection method: clinical testing. Allele origin: germline.

Ambry Genetics
Classification: Uncertain significance for Hereditary cancer-predisposing syndrome. Last evaluated: 2024-09-09. Review status: criteria provided, single submitter. Criteria: Ambry Variant Classification Scheme 2023. Collection method: clinical testing. Allele origin: germline.
Comment: The p.N124K variant (also known as c.372C>G), located in coding exon 2 of the PTCH1 gene, results from a C to G substitution at nucleotide position 372. The asparagine at codon 124 is replaced by lysine, an amino acid with similar properties. This amino acid position is well conserved in available vertebrate species. In addition, the in silico prediction for this alteration is inconclusive. Since supporting evidence is limited at this time, the clinical significance of this alteration remains unclear.